The following is an entry in ClinVar:

NM_018089.3(ANKZF1):c.965G>C (p.Trp322Ser)

Gene: ANKZF1 (ankyrin repeat and zinc finger peptidyl tRNA hydrolase 1; plus strand). Cytogenetic location: 2q35.
Variant type: single nucleotide variant.
Coding change: c.965G>C on transcript NM_018089.3 (MANE Select); coding-DNA position 965, G replaced by C.
Protein change: p.Trp322Ser; replaces tryptophan 322 with serine.
Molecular consequence: missense variant.
Genome position (GRCh38, 1-based): chr2:219,233,860, G>C. VCF-style: chr2-219233860-G-C. GRCh37 (hg19) VCF-style: chr2-220098582-G-C.
Other names: c.965G>C, p.Trp322Ser (NM_001042410.2); c.335G>C, p.Trp112Ser (NM_001282792.2); short protein forms W322S, W112S.
Identifiers: ClinVar variation 1496964 (VCV001496964.8), dbSNP rs2106462720, ClinGen allele CA350677760.

ClinVar aggregate classification (germline): Uncertain significance (1 of 4 stars; one submission).

Submission:

Labcorp Genetics (formerly Invitae), Labcorp
Classification: Uncertain significance. Last evaluated: 2020-12-24. Review status: criteria provided, single submitter. Criteria: Invitae Variant Classification Sherloc (09022015). Collection method: clinical testing. Allele origin: germline.
Comment: Algorithms developed to predict the effect of missense changes on protein structure and function (SIFT, PolyPhen-2, Align-GVGD) all suggest that this variant is likely to be tolerated, but these predictions have not been confirmed by published functional studies and their clinical significance is uncertain. In summary, the available evidence is currently insufficient to determine the role of this variant in disease. Therefore, it has been classified as a Variant of Uncertain Significance. This variant has not been reported in the literature in individuals with ANKZF1-related conditions. This variant is not present in population databases (ExAC no frequency). This sequence change replaces tryptophan with serine at codon 322 of the ANKZF1 protein (p.Trp322Ser). The tryptophan residue is weakly conserved and there is a large physicochemical difference between tryptophan and serine.